The following is an entry in ClinVar:

ClinVar aggregate classification (germline): Likely pathogenic (1 of 4 stars; one submission).

Conditions:
Primary ciliary dyskinesia 15. Also called: CILIARY DYSKINESIA, PRIMARY, 15, WITH OR WITHOUT SITUS INVERSUS. Identifiers: Orphanet 244, MedGen C3151137, MONDO:0013435, OMIM 613808.

Submission:

3billion
Classification: Likely pathogenic for Primary ciliary dyskinesia 15. Last evaluated: 2024-09-24. Review status: criteria provided, single submitter. Criteria: ACMG Guidelines, 2015. Collection method: clinical testing. Allele origin: germline. Affected: yes.
Comment: The variant is not observed in the gnomAD v4.0.0 dataset. Predicted Consequence/Location: Frameshift: predicted to result in a loss or disruption of normal protein function through nonsense-mediated decay (NMD) or protein truncation. Multiple pathogenic variants are reported downstream of the variant. Therefore, this variant is classified as Likely pathogenic according to the recommendation of ACMG/AMP guideline.

NM_017950.4(CCDC40):c.1791del (p.Ser598fs)

Gene: CCDC40 (coiled-coil domain 40 molecular ruler complex subunit; plus strand). Cytogenetic location: 17q25.3.
Variant type: Deletion.
Coding change: c.1791del on transcript NM_017950.4 (MANE Select); coding-DNA position 1791, one base deleted (C; older notation c.1791delC).
Protein change: p.Ser598fs; shifts the reading frame from serine 598.
Molecular consequence: frameshift variant.
Genome position (GRCh38, 1-based): chr17:80,081,774, C deleted. VCF-style (leftmost placement, unchanged base first): chr17-80081773-TC-T. GRCh37 (hg19) VCF-style: chr17-78055572-TC-T.
Other names: c.1791del, p.Ser598fs (NM_001243342.2); short protein forms S598fs.
Identifiers: ClinVar variation 4293979 (VCV004293979.1).